The following is an entry in ClinVar:

NM_020937.4(FANCM):c.454G>A (p.Glu152Lys)

Gene: FANCM (FA complementation group M; plus strand). Cytogenetic location: 14q21.2.
Variant type: single nucleotide variant.
Coding change: c.454G>A on transcript NM_020937.4 (MANE Select); coding-DNA position 454, G replaced by A.
Protein change: p.Glu152Lys; replaces glutamic acid 152 with lysine.
Molecular consequence: missense variant.
Genome position (GRCh38, 1-based): chr14:45,136,485, G>A. VCF-style: chr14-45136485-G-A. GRCh37 (hg19) VCF-style: chr14-45605688-G-A.
Other names: c.454G>A, p.Glu152Lys (NM_001308133.2, NM_001308134.2); short protein forms E152K.
Identifiers: ClinVar variation 951402 (VCV000951402.9), dbSNP rs1885519043, ClinGen allele CA389588330.

ClinVar aggregate classification (germline): Uncertain significance (1 of 4 stars; one submission).

Conditions:
Fanconi anemia (FA). Also called: Fanconi's anemia. Identifiers: Orphanet 84, MedGen C0015625, MeSH D005199, MONDO:0019391.

Submission:

Labcorp Genetics (formerly Invitae), Labcorp
Classification: Uncertain significance for Fanconi anemia. Last evaluated: 2019-06-20. Review status: criteria provided, single submitter. Criteria: Invitae Variant Classification Sherloc (09022015). Collection method: clinical testing. Allele origin: germline.
Comment: In summary, the available evidence is currently insufficient to determine the role of this variant in disease. Therefore, it has been classified as a Variant of Uncertain Significance. Algorithms developed to predict the effect of missense changes on protein structure and function (SIFT, PolyPhen-2, Align-GVGD) all suggest that this variant is likely to be tolerated, but these predictions have not been confirmed by published functional studies and their clinical significance is uncertain. This variant has not been reported in the literature in individuals with FANCM-related conditions. This variant is not present in population databases (ExAC no frequency). This sequence change replaces glutamic acid with lysine at codon 152 of the FANCM protein (p.Glu152Lys). The glutamic acid residue is weakly conserved and there is a small physicochemical difference between glutamic acid and lysine.